The following is an entry in ClinVar:

ClinVar aggregate classification (germline): Uncertain significance. Review status: criteria provided, multiple submitters, no conflicts (2 of 4 stars). 2 submissions from 2 submitters: Uncertain significance (2). Last evaluated 2024-05-19.

Conditions:
Primary ciliary dyskinesia. Also called: Ciliary dyskinesia. Identifiers: Orphanet 244, MedGen C0008780, MONDO:0016575, HP:0012265.

Allele frequency attached by ClinVar (database versions not stated): gnomAD 0.00001; gnomAD exomes 0.00002.
gnomAD v4.1: 25 of 1,614,004 alleles (0.0015%); highest among the groups gnomAD compares: Non-Finnish European, 0.0019%; no homozygotes.

Submissions (2):

Ambry Genetics
Classification: Uncertain significance for Primary ciliary dyskinesia. Last evaluated: 2024-05-19. Review status: criteria provided, single submitter. Criteria: Ambry Variant Classification Scheme 2023. Collection method: clinical testing. Allele origin: germline.
Comment: The p.M4400T variant (also known as c.13199T>C), located in coding exon 76 of the DNAH5 gene, results from a T to C substitution at nucleotide position 13199. The methionine at codon 4400 is replaced by threonine, an amino acid with similar properties. This amino acid position is conserved. In addition, the in silico prediction for this alteration is inconclusive. Based on the available evidence, the clinical significance of this variant remains unclear.

Labcorp Genetics (formerly Invitae), Labcorp
Classification: Uncertain significance for Primary ciliary dyskinesia. Last evaluated: 2021-09-17. Review status: criteria provided, single submitter. Criteria: Invitae Variant Classification Sherloc (09022015). Collection method: clinical testing. Allele origin: germline.
Comment: This sequence change replaces methionine with threonine at codon 4400 of the DNAH5 protein (p.Met4400Thr). The methionine residue is highly conserved and there is a moderate physicochemical difference between methionine and threonine. This variant is not present in population databases (ExAC no frequency). This variant has not been reported in the literature in individuals with DNAH5-related conditions. Advanced modeling of protein sequence and biophysical properties (such as structural, functional, and spatial information, amino acid conservation, physicochemical variation, residue mobility, and thermodynamic stability) performed at Invitae indicates that this missense variant is not expected to disrupt DNAH5 protein function. In summary, the available evidence is currently insufficient to determine the role of this variant in disease. Therefore, it has been classified as a Variant of Uncertain Significance.

NM_001369.3(DNAH5):c.13199T>C (p.Met4400Thr)

Gene: DNAH5 (dynein axonemal heavy chain 5; minus strand). Cytogenetic location: 5p15.2.
Variant type: single nucleotide variant.
Coding change: c.13199T>C on transcript NM_001369.3 (MANE Select); coding-DNA position 13199, T replaced by C.
Protein change: p.Met4400Thr; replaces methionine 4400 with threonine.
Molecular consequence: missense variant.
Genome position (GRCh38, 1-based): chr5:13,708,262, A>G on the plus strand (T>C on the coding strand, the complement: DNAH5 is on the minus strand). VCF-style: chr5-13708262-A-G. GRCh37 (hg19) VCF-style: chr5-13708371-A-G.
Other names: c.13199T>C (NM_001369.2); short protein forms M4400T.
Identifiers: ClinVar variation 2145210 (VCV002145210.2), dbSNP rs1432614095, ClinGen allele CA359197554.